The following is an entry in ClinVar:

ClinVar aggregate classification (germline): Uncertain significance. Review status: criteria provided, multiple submitters, no conflicts (2 of 4 stars). 2 submissions from 2 submitters: Uncertain significance (2). Last evaluated 2025-07-12.

Conditions:
Inborn genetic diseases. Identifiers: MedGen C0950123, MeSH D030342.

Allele frequency attached by ClinVar (database versions not stated): ExAC 0.00001; gnomAD 0.00001; gnomAD exomes 0.00001; TOPMed 0.00002.
gnomAD v4.1: 14 of 1,613,954 alleles (0.00087%); highest among the groups gnomAD compares: African/African-American, 0.0053%; no homozygotes.

Submissions (2):

Ambry Genetics
Classification: Uncertain significance for Inborn genetic diseases. Last evaluated: 2025-07-12. Review status: criteria provided, single submitter. Criteria: Ambry Variant Classification Scheme 2023. Collection method: clinical testing. Allele origin: germline.

Labcorp Genetics (formerly Invitae), Labcorp
Classification: Uncertain significance. Last evaluated: 2022-07-18. Review status: criteria provided, single submitter. Criteria: Invitae Variant Classification Sherloc (09022015). Collection method: clinical testing. Allele origin: germline.
Comment: This variant is present in population databases (rs778013594, gnomAD 0.0009%). This sequence change replaces glycine, which is neutral and non-polar, with arginine, which is basic and polar, at codon 192 of the SLC25A24 protein (p.Gly192Arg). This variant has not been reported in the literature in individuals affected with SLC25A24-related conditions. In summary, the available evidence is currently insufficient to determine the role of this variant in disease. Therefore, it has been classified as a Variant of Uncertain Significance. Algorithms developed to predict the effect of missense changes on protein structure and function are either unavailable or do not agree on the potential impact of this missense change (SIFT: "Deleterious"; PolyPhen-2: "Probably Damaging"; Align-GVGD: "Class C15").

NM_013386.5(SLC25A24):c.574G>A (p.Gly192Arg)

Gene: SLC25A24 (solute carrier family 25 member 24; minus strand). Cytogenetic location: 1p13.3.
Variant type: single nucleotide variant.
Coding change: c.574G>A on transcript NM_013386.5 (MANE Select); coding-DNA position 574, G replaced by A.
Protein change: p.Gly192Arg; replaces glycine 192 with arginine.
Molecular consequence: missense variant.
Genome position (GRCh38, 1-based): chr1:108,157,557, C>T on the plus strand (G>A on the coding strand, the complement: SLC25A24 is on the minus strand). VCF-style: chr1-108157557-C-T. GRCh37 (hg19) VCF-style: chr1-108700179-C-T.
Other names: c.517G>A, p.Gly173Arg (NM_213651.3); c.574G>A (NM_013386.3); short protein forms G192R, G173R.
Identifiers: ClinVar variation 1986293 (VCV001986293.5), dbSNP rs778013594, ClinGen allele CA979252.